The following is an entry in ClinVar:

NM_001374736.1(DST):c.13760C>T (p.Ala4587Val)

Gene: DST (dystonin; minus strand). Cytogenetic location: 6p12.1.
Variant type: single nucleotide variant.
Coding change: c.13760C>T on transcript NM_001374736.1 (MANE Select); coding-DNA position 13760, C replaced by T.
Protein change: p.Ala4587Val; replaces alanine 4587 with valine.
Molecular consequence: missense variant.
Genome position (GRCh38, 1-based): chr6:56,569,974, G>A on the plus strand (C>T on the coding strand, the complement: DST is on the minus strand). VCF-style: chr6-56569974-G-A. GRCh37 (hg19) VCF-style: chr6-56434772-G-A.
Other names: c.7403C>T, p.Ala2468Val (NM_001144769.5); c.6989C>T, p.Ala2330Val (NM_001144770.2); c.13760C>T, p.Ala4587Val (NM_001374722.1); c.13127C>T, p.Ala4376Val (NM_001374729.1); c.6869C>T, p.Ala2290Val (NM_001374730.1, NM_001386100.1, NM_183380.4); c.13787C>T, p.Ala4596Val (NM_001374734.1); c.5891C>T, p.Ala1964Val (NM_015548.5); short protein forms A1964V, A2290V, A2330V, A2468V, A4376V, A4587V, A4596V.
Identifiers: ClinVar variation 1806560 (VCV001806560.1), dbSNP rs1437138020, ClinGen allele CA364525571.
Genomic context (GRCh38, chr6:56,569,974, plus strand): 5'-GGAACTTTTTTTGTTGTTTCTTTTATCCATGACTTCAATGATTTAACAAGAACTTGGAAA[G>A]CATCCAACTGTTCTTGACAAGAAGTTACAGCTTCTTTTCTACATAACAAAAATCATACAA-3'
Protein context (NP_001361665.1, residues 4577-4597): AVTSCQEQLD[Ala4587Val]FQVLVKSLKS

ClinVar aggregate classification (germline): Uncertain significance (1 of 4 stars; one submission).

Allele frequency attached by ClinVar (database versions not stated): gnomAD exomes below 0.00001; TOPMed below 0.00001.
gnomAD v4.1: 1 of 1,604,856 alleles (0.000062%); highest among the groups gnomAD compares: Admixed American, 0.0017%; no homozygotes.

Submission:

GeneDx
Classification: Uncertain significance. Last evaluated: 2022-06-24. Review status: criteria provided, single submitter. Criteria: GeneDx Variant Classification Process June 2021. Collection method: clinical testing. Allele origin: germline. Affected: yes.
Comment: Not observed at significant frequency in large population cohorts (gnomAD); In silico analysis supports that this missense variant does not alter protein structure/function; Has not been previously published as pathogenic or benign to our knowledge; Reported using an alternate transcript of the gene